The following is an entry in ClinVar:

ClinVar aggregate classification (germline): Uncertain significance (1 of 4 stars; one submission).

Conditions:
Spastic paraplegia. Identifiers: MedGen C0037772, HP:0001258.

Submission:

Labcorp Genetics (formerly Invitae), Labcorp
Classification: Uncertain significance for Spastic paraplegia. Last evaluated: 2020-12-09. Review status: criteria provided, single submitter. Criteria: Invitae Variant Classification Sherloc (09022015). Collection method: clinical testing. Allele origin: germline.
Comment: In summary, the available evidence is currently insufficient to determine the role of this variant in disease. Therefore, it has been classified as a Variant of Uncertain Significance. This variant has been observed in individual(s) with clinical features of amyotrophic lateral sclerosis (PMID: 29566793, Invitae). This variant is not present in population databases (ExAC no frequency). This sequence change results in a frameshift in the KIF5A gene (p.Asn999Metfs*49). While this is not anticipated to result in nonsense mediated decay, it is expected to disrupt the last 34 amino acid(s) of the KIF5A protein and extend the protein by 14 additional amino acid residues.

Literature cited by the submitters: PubMed 29566793.

NM_004984.4(KIF5A):c.2996del (p.Asn999fs)

Gene: KIF5A (kinesin family member 5A; plus strand). Cytogenetic location: 12q13.3.
Variant type: Deletion.
Coding change: c.2996del on transcript NM_004984.4 (MANE Select); coding-DNA position 2996, one base deleted (A; older notation c.2996delA).
Protein change: p.Asn999fs; shifts the reading frame from asparagine 999.
Molecular consequence: frameshift variant.
Genome position (GRCh38, 1-based): chr12:57,582,605, A deleted; the last of 3 consecutive A bases (chr12:57,582,603-57,582,605); deleting any one gives the same sequence. VCF-style (leftmost placement, unchanged base first): chr12-57582602-GA-G. GRCh37 (hg19) VCF-style: chr12-57976385-GA-G.
Other names: c.2729del, p.Asn910fs (NM_001354705.2); short protein forms N910fs, N999fs.
Identifiers: ClinVar variation 1410143 (VCV001410143.8), dbSNP rs2140172678, ClinGen allele CA2573105817.